The following is an entry in ClinVar:

ClinVar aggregate classification (germline): Conflicting classifications of pathogenicity. Review status: criteria provided, conflicting classifications (1 of 4 stars). 3 submissions from 3 submitters: Uncertain significance (2); Benign (1). Last evaluated 2025-06-03.

Conditions:
Cardiovascular phenotype. Identifiers: MedGen CN230736.
ZNF469-related disorder. Also called: ZNF469-related condition.

Allele frequency attached by ClinVar (database versions not stated): TOPMed 0.00003; gnomAD 0.00005.
gnomAD v4.1: 42 of 1,550,386 alleles (0.0027%); highest among the groups gnomAD compares: Middle Eastern, 0.017%; no homozygotes.

Submissions (3):

PreventionGenetics, part of Exact Sciences
Classification: Uncertain significance for ZNF469-related condition. Last evaluated: 2025-06-03. Review status: criteria provided, single submitter. Criteria: ACMG Guidelines, 2015. Collection method: clinical testing. Allele origin: germline.
Comment: The ZNF469 c.11683C>T variant is predicted to result in the amino acid substitution p.Arg3895Trp. To our knowledge, this variant has not been reported in the literature. This variant is reported in 0.030% of alleles in individuals of African descent in gnomAD. At this time, the clinical significance of this variant is uncertain due to the absence of conclusive functional and genetic evidence.

Ambry Genetics
Classification: Benign for Cardiovascular phenotype. Last evaluated: 2024-09-27. Review status: criteria provided, single submitter. Criteria: Ambry Variant Classification Scheme 2023. Collection method: clinical testing. Allele origin: germline.

Labcorp Genetics (formerly Invitae), Labcorp
Classification: Uncertain significance. Last evaluated: 2022-05-25. Review status: criteria provided, single submitter. Criteria: Invitae Variant Classification Sherloc (09022015). Collection method: clinical testing. Allele origin: germline.
Comment: This sequence change replaces arginine, which is basic and polar, with tryptophan, which is neutral and slightly polar, at codon 3895 of the ZNF469 protein (p.Arg3895Trp). This variant is present in population databases (rs555406841, gnomAD 0.02%). This variant has not been reported in the literature in individuals affected with ZNF469-related conditions. Algorithms developed to predict the effect of missense changes on protein structure and function output the following: SIFT: "Tolerated"; PolyPhen-2: "Possibly Damaging"; Align-GVGD: "Class C0". The tryptophan amino acid residue is found in multiple mammalian species, which suggests that this missense change does not adversely affect protein function. In summary, the available evidence is currently insufficient to determine the role of this variant in disease. Therefore, it has been classified as a Variant of Uncertain Significance.

NM_001367624.2(ZNF469):c.11767C>T (p.Arg3923Trp)

Gene: ZNF469 (zinc finger protein 469; plus strand). Cytogenetic location: 16q24.2.
Variant type: single nucleotide variant.
Coding change: c.11767C>T on transcript NM_001367624.2 (MANE Select); coding-DNA position 11767, C replaced by T.
Protein change: p.Arg3923Trp; replaces arginine 3923 with tryptophan.
Molecular consequence: missense variant.
Genome position (GRCh38, 1-based): chr16:88,439,237, C>T. VCF-style: chr16-88439237-C-T. GRCh37 (hg19) VCF-style: chr16-88505645-C-T.
Other names: NM_001127464.1:c.11683C>T; NM_001127464.2:c.11683C>T; short protein forms R3923W.
Identifiers: ClinVar variation 1960341 (VCV001960341.5), dbSNP rs555406841, ClinGen allele CA286388526.